The following is an entry in ClinVar:

ClinVar aggregate classification (germline): Pathogenic (1 of 4 stars; one submission).

Conditions:
Multiple congenital anomalies-hypotonia-seizures syndrome 1 (MCAHS1). Also called: GLYCOSYLPHOSPHATIDYLINOSITOL BIOSYNTHESIS DEFECT 3; PIGN-CDG; Congenital disorder of glycosylation due to PIGN deficiency. Identifiers: Orphanet 280633, MedGen C3279775, MONDO:0013563, OMIM 614080.

Submission:

Labcorp Genetics (formerly Invitae), Labcorp
Classification: Pathogenic for Multiple congenital anomalies-hypotonia-seizures syndrome 1. Last evaluated: 2020-07-09. Review status: criteria provided, single submitter. Criteria: Invitae Variant Classification Sherloc (09022015). Collection method: clinical testing. Allele origin: germline.
Comment: This variant is an out-of-frame deletion of the genomic region encompassing exon(s) 21-22 of the PIGN gene. This is expected to create a premature translational stop signal and result in an absent or disrupted protein product. This variant has not been reported in the literature in individuals with PIGN-related conditions. Loss-of-function variants in PIGN are known to be pathogenic (PMID: 24253414, 27038415). For these reasons, this variant has been classified as Pathogenic.

Literature cited by the submitters: PubMed 24253414; PubMed 27038415.

NC_000018.9:g.(?_59768298)_(59770145_?)del

Gene: PIGN (phosphatidylinositol glycan anchor biosynthesis class N; minus strand). Cytogenetic location: 18q21.33.
Variant type: Deletion.
Identifiers: ClinVar variation 1073975 (VCV001073975.5).